The following is an entry in ClinVar:

ClinVar aggregate classification (germline): Uncertain significance (1 of 4 stars; one submission).

Submission:

GeneDx
Classification: Uncertain significance. Last evaluated: 2019-09-23. Review status: criteria provided, single submitter. Criteria: GeneDx Variant Classification Process June 2021. Collection method: clinical testing. Allele origin: germline. Affected: yes.
Comment: In silico analysis, which includes splice predictors and evolutionary conservation, suggests this variant may impact gene splicing by creating a strong, cryptic splice acceptor site upstream of the natural splice site. In the absence of RNA/functional studies, the actual effect of this sequence change is unknown.; Not observed in large population cohorts (Lek et al., 2016); Has not been previously published as pathogenic or benign to our knowledge

NM_001374623.1(PNPLA1):c.776-1_790dup

Gene: PNPLA1 (patatin like phospholipase domain containing 1; plus strand). Cytogenetic location: 6p21.31.
Variant type: Duplication.
Coding change: c.776-1_790dup on transcript NM_001374623.1 (MANE Select); the canonical splice acceptor site of the intron before coding-DNA position 776 through coding-DNA position 790, 16 bases duplicated (GATGCTGTTTATCTTA).
Molecular consequence: splice acceptor variant.
Genome position (GRCh38, 1-based): chr6:36,301,860-36,301,875, GATGCTGTTTATCTTA duplicated; duplicating any 16 consecutive bases within chr6:36,301,858-36,301,875 gives the same sequence; the c. name uses the placement nearest the transcript's 3' end. VCF-style (leftmost placement, unchanged base first): chr6-36301857-C-CTAGATGCTGTTTATCT. GRCh37 (hg19) VCF-style: chr6-36269634-C-CTAGATGCTGTTTATCT.
Other names: c.518-1_532dup (NM_001145716.2); c.491-1_505dup (NM_173676.2); c.776-1_790dup (NM_001145717.1).
Identifiers: ClinVar variation 1312422 (VCV001312422.2), dbSNP rs2127351754, ClinGen allele CA2573052684.